The following is an entry in ClinVar:

NM_152594.3(SPRED1):c.170A>G (p.Asp57Gly)

Gene: SPRED1 (sprouty related EVH1 domain containing 1; plus strand). Cytogenetic location: 15q14.
Variant type: single nucleotide variant.
Coding change: c.170A>G on transcript NM_152594.3 (MANE Select); coding-DNA position 170, A replaced by G.
Protein change: p.Asp57Gly; replaces aspartic acid 57 with glycine.
Molecular consequence: missense variant.
Genome position (GRCh38, 1-based): chr15:38,299,510, A>G. VCF-style: chr15-38299510-A-G. GRCh37 (hg19) VCF-style: chr15-38591711-A-G.
Other names: short protein forms D57G.
Identifiers: ClinVar variation 887070 (VCV000887070.17), dbSNP rs959758606, ClinGen allele CA269287901.

ClinVar aggregate classification (germline): Uncertain significance. Review status: criteria provided, multiple submitters, no conflicts (2 of 4 stars). 5 submissions from 5 submitters: Uncertain significance (5). Last evaluated 2025-05-30.

Conditions:
Legius syndrome. Identifiers: Orphanet 137605, MedGen C1969623, MONDO:0012669, OMIM 611431. Disease mechanism: loss of function.
Cardiovascular phenotype. Identifiers: MedGen CN230736.

Allele frequency attached by ClinVar (database versions not stated): gnomAD exomes below 0.00001; gnomAD 0.00001; TOPMed 0.00002.
gnomAD v4.1: 8 of 1,613,924 alleles (0.0005%); highest among the groups gnomAD compares: Middle Eastern, 0.016%; no homozygotes.

Submissions (5):

Labcorp Genetics (formerly Invitae), Labcorp
Classification: Uncertain significance for Legius syndrome. Last evaluated: 2025-05-30. Review status: criteria provided, single submitter. Criteria: Invitae Variant Classification Sherloc (09022015). Collection method: clinical testing. Allele origin: germline.
Comment: This sequence change replaces aspartic acid, which is acidic and polar, with glycine, which is neutral and non-polar, at codon 57 of the SPRED1 protein (p.Asp57Gly). This variant is present in population databases (no rsID available, gnomAD 0.0009%). This variant has not been reported in the literature in individuals affected with SPRED1-related conditions. ClinVar contains an entry for this variant (Variation ID: 887070). Invitae Evidence Modeling of protein sequence and biophysical properties (such as structural, functional, and spatial information, amino acid conservation, physicochemical variation, residue mobility, and thermodynamic stability) indicates that this missense variant is not expected to disrupt SPRED1 protein function with a negative predictive value of 80%. In summary, the available evidence is currently insufficient to determine the role of this variant in disease. Therefore, it has been classified as a Variant of Uncertain Significance.

Ambry Genetics
Classification: Uncertain significance for Cardiovascular phenotype. Last evaluated: 2025-05-25. Review status: criteria provided, single submitter. Criteria: Ambry Variant Classification Scheme 2023. Collection method: clinical testing. Allele origin: germline.

Women's Health and Genetics/Laboratory Corporation of America, LabCorp
Classification: Uncertain significance. Last evaluated: 2022-01-15. Review status: criteria provided, single submitter. Criteria: LabCorp Variant Classification Summary - May 2015. Collection method: clinical testing. Allele origin: germline.

GeneDx
Classification: Uncertain significance. Last evaluated: 2021-09-08. Review status: criteria provided, single submitter. Criteria: GeneDx Variant Classification Process June 2021. Collection method: clinical testing. Allele origin: germline. Affected: yes.
Comment: In silico analysis supports that this missense variant does not alter protein structure/function; Has not been previously published as pathogenic or benign to our knowledge

Illumina Laboratory Services, Illumina
Classification: Uncertain significance for Legius syndrome. Last evaluated: 2018-01-13. Review status: criteria provided, single submitter. Criteria: ICSL Variant Classification Criteria 13 December 2019. Collection method: clinical testing. Allele origin: germline.